The following is an entry in ClinVar:

ClinVar aggregate classification (germline): Likely pathogenic (1 of 4 stars; one submission).

Conditions:
Glycogen storage disease type III (GSD3). Also called: FORBES DISEASE; Cori disease. Identifiers: Orphanet 366, MedGen C0017922, MONDO:0009291, OMIM 232400.

Submission:

Centre for Human Genetics
Classification: Likely pathogenic for Glycogen storage disease type III. Last evaluated: 2015-07-09. Review status: criteria provided, single submitter. Criteria: ACMG Guidelines, 2015. Collection method: clinical testing. Allele origin: inherited. Inheritance: Autosomal recessive inheritance. Affected: yes. Observed: 1 variant allele.
Comment: disease causing

NM_000642.3(AGL):c.664+1G>C

Gene: AGL (amylo-alpha-1,6-glucosidase and 4-alpha-glucanotransferase; plus strand). Cytogenetic location: 1p21.2.
Variant type: single nucleotide variant.
Coding change: c.664+1G>C on transcript NM_000642.3 (MANE Select); the canonical splice donor site of the intron after coding-DNA position 664, G replaced by C.
Molecular consequence: splice donor variant. On other transcripts: intron variant (2).
Genome position (GRCh38, 1-based): chr1:99,864,590, G>C. VCF-style: chr1-99864590-G-C. GRCh37 (hg19) VCF-style: chr1-100330146-G-C.
Other names: c.664+1G>C (NM_000643.3, NM_000644.3, NM_001425326.1 and 3 more transcripts); c.616+1G>C (NM_000646.3); c.460+2167G>C (NM_001425328.1, NM_001425329.1); c.286+1G>C (NM_001425332.1).
Identifiers: ClinVar variation 998104 (VCV000998104.1), dbSNP rs61811105, ClinGen allele CA341337267.